The following is an entry in ClinVar:

NM_017617.5(NOTCH1):c.3556G>A (p.Glu1186Lys)

Gene: NOTCH1 (notch receptor 1; minus strand). Cytogenetic location: 9q34.3.
Variant type: single nucleotide variant.
Coding change: c.3556G>A on transcript NM_017617.5 (MANE Select); coding-DNA position 3556, G replaced by A.
Protein change: p.Glu1186Lys; replaces glutamic acid 1186 with lysine.
Molecular consequence: missense variant.
Genome position (GRCh38, 1-based): chr9:136,507,392, C>T on the plus strand (G>A on the coding strand, the complement: NOTCH1 is on the minus strand). VCF-style: chr9-136507392-C-T. GRCh37 (hg19) VCF-style: chr9-139401844-C-T.
Other names: c.3556G>A (NM_017617.4); short protein forms E1186K.
Identifiers: ClinVar variation 1732634 (VCV001732634.7), dbSNP rs1013688544, ClinGen allele CA201579610.

ClinVar aggregate classification (germline): Uncertain significance. Review status: criteria provided, multiple submitters, no conflicts (2 of 4 stars). 3 submissions from 3 submitters: Uncertain significance (3). Last evaluated 2025-09-23.

Conditions:
Adams-Oliver syndrome 5 (AOS5). Identifiers: Orphanet 974, MedGen C4014970, MONDO:0014459, OMIM 616028.
NOTCH1-related disorder. Also called: NOTCH1-related condition; NOTCH1-related disorders.
Familial thoracic aortic aneurysm and aortic dissection (TAAD). Also called: Thoracic aortic aneurysms and dissections. Identifiers: Orphanet 91387, MedGen C4707243, MONDO:0019625.

Allele frequency attached by ClinVar (database versions not stated): gnomAD exomes below 0.00001; gnomAD 0.00001; TOPMed 0.00001.
gnomAD v4.1: 7 of 1,611,592 alleles (0.00043%); highest among the groups gnomAD compares: South Asian, 0.0033%; no homozygotes.

Submissions (3):

Labcorp Genetics (formerly Invitae), Labcorp
Classification: Uncertain significance for Adams-Oliver syndrome 5. Last evaluated: 2025-09-23. Review status: criteria provided, single submitter. Criteria: Invitae Variant Classification Sherloc (09022015). Collection method: clinical testing. Allele origin: germline.
Comment: This sequence change replaces glutamic acid, which is acidic and polar, with lysine, which is basic and polar, at codon 1186 of the NOTCH1 protein (p.Glu1186Lys). This variant is not present in population databases (gnomAD no frequency). This variant has not been reported in the literature in individuals affected with NOTCH1-related conditions. ClinVar contains an entry for this variant (Variation ID: 1732634). Invitae Evidence Modeling of protein sequence and biophysical properties (such as structural, functional, and spatial information, amino acid conservation, physicochemical variation, residue mobility, and thermodynamic stability) indicates that this missense variant is expected to disrupt NOTCH1 protein function with a positive predictive value of 80%. In summary, the available evidence is currently insufficient to determine the role of this variant in disease. Therefore, it has been classified as a Variant of Uncertain Significance.

Ambry Genetics
Classification: Uncertain significance for Familial thoracic aortic aneurysm and aortic dissection. Last evaluated: 2025-07-15. Review status: criteria provided, single submitter. Criteria: Ambry Variant Classification Scheme 2023. Collection method: clinical testing. Allele origin: germline.
Comment: The p.E1186K variant (also known as c.3556G>A), located in coding exon 22 of the NOTCH1 gene, results from a G to A substitution at nucleotide position 3556. The glutamic acid at codon 1186 is replaced by lysine, an amino acid with similar properties. This amino acid position is conserved. In addition, this alteration is predicted to be deleterious by in silico analysis. Since supporting evidence is limited at this time, the clinical significance of this alteration remains unclear.

PreventionGenetics, part of Exact Sciences
Classification: Uncertain significance for NOTCH1-related condition. Last evaluated: 2023-07-02. Review status: criteria provided, single submitter. Criteria: ACMG Guidelines, 2015. Collection method: clinical testing. Allele origin: germline.
Comment: The NOTCH1 c.3556G>A variant is predicted to result in the amino acid substitution p.Glu1186Lys. To our knowledge, this variant has not been reported in the literature or in a large population database, indicating this variant is rare. At this time, the clinical significance of this variant is uncertain due to the absence of conclusive functional and genetic evidence.